The following is an entry in ClinVar:

ClinVar aggregate classification (germline): Likely pathogenic. Review status: criteria provided, multiple submitters, no conflicts (2 of 4 stars). 3 submissions from 3 submitters: Likely pathogenic (3). Last evaluated 2025-06-25.

Conditions:
Inborn genetic diseases. Identifiers: MedGen C0950123, MeSH D030342.
Hepatoencephalopathy due to combined oxidative phosphorylation defect type 1. Also called: HEPATOENCEPHALOPATHY, EARLY FATAL PROGRESSIVE. Identifiers: Orphanet 137681, MedGen C1836797, MONDO:0012191, OMIM 609060.

Allele frequency attached by ClinVar (database versions not stated): gnomAD exomes below 0.00001; gnomAD 0.00001; TOPMed 0.00001.
gnomAD v4.1: 2 of 1,608,230 alleles (0.00012%); highest among the groups gnomAD compares: Non-Finnish European, 0.00017%; no homozygotes.

Submissions (3):

Ambry Genetics
Classification: Likely pathogenic for Inborn genetic diseases. Last evaluated: 2025-06-25. Review status: criteria provided, single submitter. Criteria: Ambry Variant Classification Scheme 2023. Collection method: clinical testing. Allele origin: germline.
Comment: The c.1910-1G>A intronic variant results from a G to A substitution one nucleotide before coding exon 16 of the GFM1 gene. This alteration occurs at the 3' terminus of the GFM1 gene, is not expected to trigger nonsense-mediated mRNA decay, and impacts the last 15.3% of the protein. The exact functional effect of this alteration is unknown; however, the region predicted to be impacted is critical for protein function and a significant portion of the protein is affected (Ambry internal data). This variant was not reported in population-based cohorts in the Genome Aggregation Database (gnomAD). This nucleotide position is highly conserved in available vertebrate species. In silico splice site analysis predicts that this alteration will weaken the native splice acceptor site. Based on the available evidence, this alteration is classified as likely pathogenic.

Natera, Inc.
Classification: Likely pathogenic for Combined oxidative phosphorylation deficiency 1. Last evaluated: 2024-06-17. Review status: criteria provided, single submitter. Criteria: Natera Variant Classification Schema (03/2026). Collection method: clinical testing. Allele origin: germline.
Comment: The c.1910-1G>A variant in GFM1 is a canonical splice acceptor site variant predicted to affect pre-mRNA splicing, which may result in an abnormal transcript and altered protein product. This variant is expected to result in nonsense mediated decay, truncation, or a dysfunctional protein product. This variant is rare in the general population with a frequency below the threshold expected for the associated phenotype(s). Given the available evidence, this variant is classified as Likely Pathogenic.

Baylor Genetics
Classification: Likely pathogenic for Hepatoencephalopathy due to combined oxidative phosphorylation defect type 1. Last evaluated: 2024-02-24. Review status: criteria provided, single submitter. Criteria: ACMG Guidelines, 2015. Collection method: clinical testing. Allele origin: unknown.

NM_024996.7(GFM1):c.1910-1G>A

Gene: GFM1 (G elongation factor mitochondrial 1; plus strand). Cytogenetic location: 3q25.32.
Variant type: single nucleotide variant.
Coding change: c.1910-1G>A on transcript NM_024996.7 (MANE Select); the canonical splice acceptor site of the intron before coding-DNA position 1910, G replaced by A.
Molecular consequence: splice acceptor variant.
Genome position (GRCh38, 1-based): chr3:158,690,162, G>A. VCF-style: chr3-158690162-G-A. GRCh37 (hg19) VCF-style: chr3-158407951-G-A.
Other names: c.1967-1G>A (NM_001308164.2); c.1685-1G>A (NM_001374357.1); c.1829-1G>A (NM_001374355.1); c.1793-1G>A (NM_001374356.1); c.1343-1G>A (NM_001374359.1, NM_001374360.1); c.1226-1G>A (NM_001374361.1); c.1451-1G>A (NM_001374358.1).
Identifiers: ClinVar variation 632409 (VCV000632409.8), dbSNP rs1462851267, ClinGen allele CA355182232.
Genomic context (GRCh38, chr3:158,690,162, plus strand): 5'-CTGGACAGAAGAGTTGTAGTTTGTATGAAGACTAATGAACTTTTTTTTTTTTTTAACCCA[G>A]CCTTGGCAAATGCAACATTATGTATTCTTGAACCTATTATGGCTGTGGAAGTTGTAGCTC-3'